The following is an entry in ClinVar:

ClinVar aggregate classification (germline): Uncertain significance (1 of 4 stars; one submission).

Conditions:
Familial sleep-related hypermotor epilepsy. Also called: Autosomal Dominant Sleep-Related Hypermotor (Hyperkinetic) Epilepsy. Identifiers: Orphanet 98784, MedGen C3696898, MONDO:0000030.

Allele frequency attached by ClinVar (database versions not stated): gnomAD 0.00002; ExAC 0.00003; gnomAD exomes 0.00002; TOPMed 0.00003.
gnomAD v4.1: 19 of 1,593,886 alleles (0.0012%); highest among the groups gnomAD compares: African/African-American, 0.0054%; no homozygotes.

Submission:

Labcorp Genetics (formerly Invitae), Labcorp
Classification: Uncertain significance. Last evaluated: 2025-01-14. Review status: criteria provided, single submitter. Criteria: Invitae Variant Classification Sherloc (09022015). Collection method: clinical testing. Allele origin: germline.
Comment: This sequence change replaces arginine, which is basic and polar, with cysteine, which is neutral and slightly polar, at codon 513 of the CHRNA4 protein (p.Arg513Cys). The frequency data for this variant in the population databases is considered unreliable, as metrics indicate poor data quality at this position in the gnomAD database. This variant has not been reported in the literature in individuals affected with CHRNA4-related conditions. ClinVar contains an entry for this variant (Variation ID: 577644). Invitae Evidence Modeling of protein sequence and biophysical properties (such as structural, functional, and spatial information, amino acid conservation, physicochemical variation, residue mobility, and thermodynamic stability) indicates that this missense variant is not expected to disrupt CHRNA4 protein function with a negative predictive value of 80%. In summary, the available evidence is currently insufficient to determine the role of this variant in disease. Therefore, it has been classified as a Variant of Uncertain Significance.

NM_000744.7(CHRNA4):c.1537C>T (p.Arg513Cys)

Gene: CHRNA4 (cholinergic receptor nicotinic alpha 4 subunit; minus strand). Cytogenetic location: 20q13.33.
Variant type: single nucleotide variant.
Coding change: c.1537C>T on transcript NM_000744.7 (MANE Select); coding-DNA position 1537, C replaced by T.
Protein change: p.Arg513Cys; replaces arginine 513 with cysteine.
Molecular consequence: missense variant. On other transcripts: non-coding transcript variant (1).
Genome position (GRCh38, 1-based): chr20:63,349,874, G>A on the plus strand (C>T on the coding strand, the complement: CHRNA4 is on the minus strand). VCF-style: chr20-63349874-G-A. GRCh37 (hg19) VCF-style: chr20-61981226-G-A.
Other names: c.1009C>T, p.Arg337Cys (NM_001256573.2); short protein forms R513C, R337C.
Identifiers: ClinVar variation 577644 (VCV000577644.8), dbSNP rs201864944, ClinGen allele CA9957576.
Genomic context (GRCh38, chr20:63,349,874, plus strand): 5'-ATGTGCATTTGCACGGAGAGGGCTGGTCTGGGGGTGGGAGCTCAGCCGAGTGGGTGTTGC[G>A]AGAGGCCAGGGCGCCGGCAGCCTGGCCATCTGCCTCGGGGGCGGCATCGTCTCGGGGAAC-3'
Protein context (NP_000735.1, residues 503-523): DGQAAGALAS[Arg513Cys]NTHSAELPPP